The following is an entry in ClinVar:

NM_002471.4(MYH6):c.4925A>C (p.Gln1642Pro)

Genes: MYH6 (myosin heavy chain 6; minus strand), LOC126861896 (BRD4-independent group 4 enhancer GRCh37_chr14:23854904-23856103; plus strand). Cytogenetic location: 14q11.2.
Variant type: single nucleotide variant.
Coding change: c.4925A>C on transcript NM_002471.4 (MANE Select); coding-DNA position 4925, A replaced by C.
Protein change: p.Gln1642Pro; replaces glutamine 1642 with proline.
Molecular consequence: missense variant.
Genome position (GRCh38, 1-based): chr14:23,386,349, T>G on the plus strand (A>C on the coding strand, the complement: MYH6 is on the minus strand). VCF-style: chr14-23386349-T-G. GRCh37 (hg19) VCF-style: chr14-23855558-T-G.
Other names: short protein forms Q1642P.
Identifiers: ClinVar variation 1387850 (VCV001387850.13), dbSNP rs1487346307, ClinGen allele CA388991085.

ClinVar aggregate classification (germline): Uncertain significance. Review status: criteria provided, multiple submitters, no conflicts (2 of 4 stars). 3 submissions from 3 submitters: Uncertain significance (3). Last evaluated 2024-12-19.

Conditions:
Hypertrophic cardiomyopathy 14. Identifiers: MedGen C2750467, MONDO:0013197, OMIM 613251.
Cardiovascular phenotype. Identifiers: MedGen CN230736.

Allele frequency attached by ClinVar (database versions not stated): gnomAD exomes below 0.00001 and 0.00002; TOPMed below 0.00001.
gnomAD v4.1: 26 of 1,614,186 alleles (0.0016%); highest among the groups gnomAD compares: Non-Finnish European, 0.0019%; no homozygotes.

Submissions (3):

Ambry Genetics
Classification: Uncertain significance for Cardiovascular phenotype. Last evaluated: 2024-12-19. Review status: criteria provided, single submitter. Criteria: Ambry Variant Classification Scheme 2023. Collection method: clinical testing. Allele origin: germline.
Comment: The p.Q1642P variant (also known as c.4925A>C), located in coding exon 31 of the MYH6 gene, results from an A to C substitution at nucleotide position 4925. The glutamine at codon 1642 is replaced by proline, an amino acid with similar properties. This amino acid position is well conserved in available vertebrate species. In addition, the in silico prediction for this alteration is inconclusive. Since supporting evidence is limited at this time, the clinical significance of this alteration remains unclear.

GeneDx
Classification: Uncertain significance. Last evaluated: 2024-06-26. Review status: criteria provided, single submitter. Criteria: GeneDx Variant Classification Process June 2021. Collection method: clinical testing. Allele origin: germline. Affected: yes.
Comment: Has not been previously published as pathogenic or benign to our knowledge; Not observed at significant frequency in large population cohorts (gnomAD); In silico analysis supports that this missense variant has a deleterious effect on protein structure/function

Labcorp Genetics (formerly Invitae), Labcorp
Classification: Uncertain significance for Hypertrophic cardiomyopathy 14. Last evaluated: 2021-02-18. Review status: criteria provided, single submitter. Criteria: Invitae Variant Classification Sherloc (09022015). Collection method: clinical testing. Allele origin: germline.
Comment: In summary, the available evidence is currently insufficient to determine the role of this variant in disease. Therefore, it has been classified as a Variant of Uncertain Significance. Algorithms developed to predict the effect of missense changes on protein structure and function are either unavailable or do not agree on the potential impact of this missense change (SIFT: "Deleterious"; PolyPhen-2: "Possibly Damaging"; Align-GVGD: "Class C0"). This variant has not been reported in the literature in individuals with MYH6-related conditions. This variant is not present in population databases (ExAC no frequency). This sequence change replaces glutamine with proline at codon 1642 of the MYH6 protein (p.Gln1642Pro). The glutamine residue is moderately conserved and there is a moderate physicochemical difference between glutamine and proline.